The following is an entry in ClinVar:

ClinVar aggregate classification (germline): Uncertain significance (1 of 4 stars; one submission).

Conditions:
Neurofibromatosis-Noonan syndrome (NFNS). Also called: NEUROFIBROMATOSIS WITH NOONAN PHENOTYPE. Identifiers: Orphanet 638, MedGen C2931482, MONDO:0011035, OMIM 601321. Disease mechanism: loss of function.

Submission:

Department of Molecular Genetics, Istishari Arab Hospital
Classification: Uncertain significance for Neurofibromatosis-Noonan syndrome. Last evaluated: 2026-09-28. Review status: criteria provided, single submitter. Criteria: ACMG Guidelines, 2015. Collection method: clinical testing. Allele origin: germline. Inheritance: Autosomal dominant inheritance. Affected: yes.
Comment: The NF1 variant c.480-2577T>C is a deep intronic variant. The variant is not observed in the gnomAD v4.1.0 dataset and, to the best of our knowledge, has not been previously reported in the literature. In silico splice prediction provides limited evidence for an effect on splicing (SpliceAI: 0.10). Based on currently available evidence, this variant is classified as a variant of uncertain significance according to ACMG/AMP/ClinGen SVI recommendations.

NM_001042492.3(NF1):c.480-2577T>C

Gene: NF1 (neurofibromin 1; plus strand). Cytogenetic location: 17q11.2.
Variant type: single nucleotide variant.
Coding change: c.480-2577T>C on transcript NM_001042492.3 (MANE Select); 2577 bases into the intron before coding-DNA position 480, T replaced by C.
Molecular consequence: intron variant.
Genome position (GRCh38, 1-based): chr17:31,167,314, T>C. VCF-style: chr17-31167314-T-C. GRCh37 (hg19) VCF-style: chr17-29494332-T-C.
Other names: c.480-2577T>C (NM_000267.4, NM_001128147.3).
Identifiers: ClinVar variation 5010263 (VCV005010263.1).